The following is an entry in ClinVar:

NM_000168.6(GLI3):c.1356+10C>T

Gene: GLI3 (GLI family zinc finger 3; minus strand). Cytogenetic location: 7p14.1.
Variant type: single nucleotide variant.
Coding change: c.1356+10C>T on transcript NM_000168.6 (MANE Select); 10 bases into the intron after coding-DNA position 1356, C replaced by T.
Molecular consequence: intron variant.
Genome position (GRCh38, 1-based): chr7:42,025,254, G>A on the plus strand (C>T on the coding strand, the complement: GLI3 is on the minus strand). VCF-style: chr7-42025254-G-A. GRCh37 (hg19) VCF-style: chr7-42064853-G-A.
Identifiers: ClinVar variation 753475 (VCV000753475.5), dbSNP rs765591867, ClinGen allele CA915944910.

ClinVar aggregate classification (germline): Likely benign. Review status: criteria provided, single submitter (1 of 4 stars). 2 submissions from 2 submitters: Likely benign (1). 1 of the submissions does not count toward it. Last evaluated 2018-06-15.

Conditions:
GLI3-related disorder. Also called: GLI3-related disorders; GLI3-related condition. Identifiers: MedGen CN239292.

gnomAD v4.1: 6 of 1,585,432 alleles (0.00038%); highest among the groups gnomAD compares: South Asian, 0.0066%; no homozygotes.

Submissions (2):

Labcorp Genetics (formerly Invitae), Labcorp
Classification: Likely benign. Last evaluated: 2018-06-15. Review status: criteria provided, single submitter. Criteria: Invitae Variant Classification Sherloc (09022015). Collection method: clinical testing. Allele origin: germline.

PreventionGenetics, part of Exact Sciences
Classification: Likely benign for GLI3-related condition. Last evaluated: 2019-04-05. Review status: no assertion criteria provided. Collection method: clinical testing. Allele origin: germline. Not counted in ClinVar's aggregate classification.
Comment: This variant is classified as likely benign based on ACMG/AMP sequence variant interpretation guidelines (Richards et al. 2015 PMID: 25741868, with internal and published modifications).